The following is an entry in ClinVar:

ClinVar aggregate classification (germline): Benign/Likely benign. Review status: criteria provided, multiple submitters, no conflicts (2 of 4 stars). 13 submissions from 13 submitters: Benign (7); Likely benign (3). 3 of the submissions do not count toward it. Last evaluated 2026-07-02.

Conditions:
Sessile serrated polyposis cancer syndrome (SSPCS). Identifiers: Orphanet 157798, MedGen C4310714, MONDO:0014919, OMIM 617108.
Hereditary cancer-predisposing syndrome. Also called: Hereditary Cancer Syndrome; Hereditary neoplastic syndrome; Neoplastic Syndromes, Hereditary; Tumor predisposition. Identifiers: Orphanet 140162, MedGen C0027672, MeSH D009386, MONDO:0015356.

Allele frequency attached by ClinVar (database versions not stated): ExAC 0.01259; ESP Exome Variant Server 0.01099; gnomAD 0.01111 and 0.01112; gnomAD exomes 0.01228; 1000 Genomes Project 30x 0.00671; 1000 Genomes Project 0.00699.
gnomAD v4.1: 25,815 of 1,614,206 alleles (1.6%); highest among the groups gnomAD compares: Non-Finnish European, 1.8%; 272 homozygotes.

Submissions (13):

Myriad Genetics, Inc.
Classification: Benign for Sessile serrated polyposis cancer syndrome. Last evaluated: 2026-07-02. Review status: criteria provided, single submitter. Criteria: Myriad Autosomal Dominant, Autosomal Recessive and X-Linked Classification Criteria (2023). Collection method: clinical testing. Allele origin: unknown.
Comment: This variant is considered benign. This variant is a silent/synonymous amino acid change and it is not expected to impact splicing.

Labcorp Genetics (formerly Invitae), Labcorp
Classification: Benign. Last evaluated: 2026-02-03. Review status: criteria provided, single submitter. Criteria: Invitae Variant Classification Sherloc (09022015). Collection method: clinical testing. Allele origin: germline.

Mayo Clinic Laboratories, Mayo Clinic
Classification: Likely benign. Last evaluated: 2025-12-02. Review status: criteria provided, single submitter. Criteria: ACMG Guidelines, 2015. Collection method: clinical testing. Allele origin: germline. Observed: 7 variant alleles.
Comment: BS1, BP4, BP7

Institute for Biomarker Research, Medical Diagnostic Laboratories, L.L.C.
Classification: Benign for Hereditary cancer-predisposing syndrome. Last evaluated: 2025-10-27. Review status: criteria provided, single submitter. Criteria: ACMG Guidelines, 2015. Collection method: clinical testing. Allele origin: germline.
Comment: The synonymous variant NM_017763.6(RNF43):c.2280G>A (p.Pro760=) has been reported to ClinVar as Benign/Likely benign with a status of (2 stars) criteria provided, multiple submitters, no conflicts (Accession: VCV001165953.24). The p.Pro760= variant is not predicted to disrupt an existing splice site. The p.Pro760= variant results in a substitution of a base that is not predicted conserved by GERP++ and PhyloP. For these reasons, this variant has been classified as Benign.

GeneKor MSA
Classification: Benign for Hereditary cancer-predisposing syndrome. Last evaluated: 2025-07-10. Review status: criteria provided, single submitter. Criteria: ACMG Guidelines, 2015. Collection method: clinical testing. Allele origin: germline.

Center for Genomic Medicine, Rigshospitalet, Copenhagen University Hospital
Classification: Benign. Last evaluated: 2025-03-04. Review status: criteria provided, single submitter. Criteria: ACMG Guidelines, 2015. Collection method: clinical testing. Allele origin: germline.

Ambry Genetics
Classification: Benign. Last evaluated: 2024-10-18. Review status: criteria provided, single submitter. Criteria: Ambry Variant Classification Scheme 2023. Collection method: clinical testing. Allele origin: germline.

Department of Pathology and Laboratory Medicine, Sinai Health System
Classification: Benign for Sessile serrated polyposis cancer syndrome. Last evaluated: 2021-10-06. Review status: criteria provided, single submitter. Criteria: ACMG Guidelines, 2015. Collection method: clinical testing. Allele origin: germline. Affected: yes.

GeneDx
Classification: Likely benign. Last evaluated: 2021-03-30. Review status: criteria provided, single submitter. Criteria: GeneDx Variant Classification Process June 2021. Collection method: clinical testing. Allele origin: germline. Affected: yes.

Breakthrough Genomics
Classification: Likely benign. Review status: criteria provided, single submitter. Criteria: ACMG Guidelines, 2015. Collection method: not provided. Allele origin: germline. Inheritance: Autosomal dominant inheritance. Affected: yes.

Clinical Genetics DNA and cytogenetics Diagnostics Lab, Erasmus MC, Erasmus Medical Center
Classification: Benign. Review status: no assertion criteria provided. Collection method: clinical testing. Allele origin: germline. Affected: yes. Study: VKGL Data-share Consensus. Not counted in ClinVar's aggregate classification.

Clinical Genetics, Academic Medical Center
Classification: Benign. Review status: no assertion criteria provided. Collection method: clinical testing. Allele origin: germline. Affected: yes. Study: VKGL Data-share Consensus. Not counted in ClinVar's aggregate classification.

Genome Diagnostics Laboratory, Amsterdam University Medical Center
Classification: Benign. Review status: no assertion criteria provided. Collection method: clinical testing. Allele origin: germline. Affected: yes. Study: VKGL Data-share Consensus. Not counted in ClinVar's aggregate classification.

NM_017763.6(RNF43):c.2280G>A (p.Pro760=)

Gene: RNF43 (ring finger protein 43; minus strand). Cytogenetic location: 17q22.
Variant type: single nucleotide variant.
Coding change: c.2280G>A on transcript NM_017763.6 (MANE Select); coding-DNA position 2280, G replaced by A.
Protein change: p.Pro760=; no amino-acid change (proline 760 retained).
Molecular consequence: synonymous variant.
Genome position (GRCh38, 1-based): chr17:58,357,496, C>T on the plus strand (G>A on the coding strand, the complement: RNF43 is on the minus strand). VCF-style: chr17-58357496-C-T. GRCh37 (hg19) VCF-style: chr17-56434857-C-T.
Other names: p.Pro760=; c.2280G>A, p.Pro760= (NM_001305544.3); c.1899G>A, p.Pro633= (NM_001305545.2).
Identifiers: ClinVar variation 1165953 (VCV001165953.28), dbSNP rs61746279, ClinGen allele CA8673040.